The following is an entry in ClinVar:

NM_007194.4(CHEK2):c.819A>T (p.Glu273Asp)

Gene: CHEK2 (checkpoint kinase 2; minus strand). Cytogenetic location: 22q12.1.
Variant type: single nucleotide variant.
Coding change: c.819A>T on transcript NM_007194.4 (MANE Select); coding-DNA position 819, A replaced by T.
Protein change: p.Glu273Asp; replaces glutamic acid 273 with aspartic acid.
Molecular consequence: missense variant.
Genome position (GRCh38, 1-based): chr22:28,710,033, T>A on the plus strand (A>T on the coding strand, the complement: CHEK2 is on the minus strand). VCF-style: chr22-28710033-T-A. GRCh37 (hg19) VCF-style: chr22-29106021-T-A.
Other names: c.948A>T, p.Glu316Asp (NM_001005735.3); c.156A>T, p.Glu52Asp (NM_001257387.3); c.618A>T, p.Glu206Asp (NM_001349956.3); c.819A>T, p.Glu273Asp (NM_145862.3); short protein forms E273D, E206D, E316D, E52D.
Identifiers: ClinVar variation 861161 (VCV000861161.10), dbSNP rs2053333611, ClinGen allele CA411102409.

ClinVar aggregate classification (germline): Uncertain significance (1 of 4 stars; one submission).

Conditions:
Familial cancer of breast. Also called: hereditary breast carcinoma; Hereditary breast cancer; BREAST CANCER, FAMILIAL. Identifiers: Orphanet 227535, MedGen C0346153, MONDO:0016419, OMIM 114480. Disease mechanism: loss of function.

Submission:

Labcorp Genetics (formerly Invitae), Labcorp
Classification: Uncertain significance for Familial cancer of breast. Last evaluated: 2021-12-11. Review status: criteria provided, single submitter. Criteria: Invitae Variant Classification Sherloc (09022015). Collection method: clinical testing. Allele origin: germline.
Comment: In summary, the available evidence is currently insufficient to determine the role of this variant in disease. Therefore, it has been classified as a Variant of Uncertain Significance. This sequence change replaces glutamic acid, which is acidic and polar, with aspartic acid, which is acidic and polar, at codon 273 of the CHEK2 protein (p.Glu273Asp). This variant is not present in population databases (gnomAD no frequency). This variant has not been reported in the literature in individuals affected with CHEK2-related conditions. ClinVar contains an entry for this variant (Variation ID: 861161). Algorithms developed to predict the effect of missense changes on protein structure and function are either unavailable or do not agree on the potential impact of this missense change (SIFT: "Tolerated"; PolyPhen-2: "Probably Damaging"; Align-GVGD: "Class C0").